The following is an entry in ClinVar:

NM_001127453.2(GSDME):c.1348C>G (p.Arg450Gly)

Gene: GSDME (gasdermin E; minus strand). Cytogenetic location: 7p15.3.
Variant type: single nucleotide variant.
Coding change: c.1348C>G on transcript NM_001127453.2 (MANE Select); coding-DNA position 1348, C replaced by G.
Protein change: p.Arg450Gly; replaces arginine 450 with glycine.
Molecular consequence: missense variant.
Genome position (GRCh38, 1-based): chr7:24,699,169, G>C on the plus strand (C>G on the coding strand, the complement: GSDME is on the minus strand). VCF-style: chr7-24699169-G-C. GRCh37 (hg19) VCF-style: chr7-24738788-G-C.
Other names: c.856C>G, p.Arg286Gly (NM_001127454.2); c.1348C>G, p.Arg450Gly (NM_004403.3); short protein forms R286G, R450G.
Identifiers: ClinVar variation 1979925 (VCV001979925.4), dbSNP rs151328414, ClinGen allele CA155368159.

ClinVar aggregate classification (germline): Uncertain significance (1 of 4 stars; one submission).

Allele frequency attached by ClinVar (database versions not stated): 1000 Genomes Project 30x 0.00016.
gnomAD v4.1: 12 of 1,614,122 alleles (0.00074%); highest among the groups gnomAD compares: East Asian, 0.027%; no homozygotes.

Submission:

Labcorp Genetics (formerly Invitae), Labcorp
Classification: Uncertain significance. Last evaluated: 2021-12-23. Review status: criteria provided, single submitter. Criteria: Invitae Variant Classification Sherloc (09022015). Collection method: clinical testing. Allele origin: germline.
Comment: In summary, the available evidence is currently insufficient to determine the role of this variant in disease. Therefore, it has been classified as a Variant of Uncertain Significance. Algorithms developed to predict the effect of missense changes on protein structure and function are either unavailable or do not agree on the potential impact of this missense change (SIFT: "Deleterious"; PolyPhen-2: "Possibly Damaging"; Align-GVGD: "Class C0"). This variant has not been reported in the literature in individuals affected with DFNA5-related conditions. This variant is not present in population databases (gnomAD no frequency). This sequence change replaces arginine, which is basic and polar, with glycine, which is neutral and non-polar, at codon 450 of the DFNA5 protein (p.Arg450Gly).